The following is an entry in ClinVar:

NM_201384.3(PLEC):c.9447C>G (p.Ser3149Arg)

Gene: PLEC (plectin; minus strand). Cytogenetic location: 8q24.3.
Variant type: single nucleotide variant.
Coding change: c.9447C>G on transcript NM_201384.3 (MANE Select); coding-DNA position 9447, C replaced by G.
Protein change: p.Ser3149Arg; replaces serine 3149 with arginine.
Molecular consequence: missense variant.
Genome position (GRCh38, 1-based): chr8:143,920,374, G>C on the plus strand (C>G on the coding strand, the complement: PLEC is on the minus strand). VCF-style: chr8-143920374-G-C. GRCh37 (hg19) VCF-style: chr8-144994542-G-C.
Other names: c.9528C>G, p.Ser3176Arg (NM_000445.5); c.6147C>G, p.Ser2049Arg (NM_001410941.1); c.9405C>G, p.Ser3135Arg (NM_201378.4); c.9381C>G, p.Ser3127Arg (NM_201379.3); c.9858C>G, p.Ser3286Arg (NM_201380.4); c.9351C>G, p.Ser3117Arg (NM_201381.3); c.9447C>G, p.Ser3149Arg (NM_201382.4); c.9459C>G, p.Ser3153Arg (NM_201383.3); short protein forms S3127R, S3153R, S3117R, S3176R, S3286R, S3149R, S2049R, S3135R.
Identifiers: ClinVar variation 4785386 (VCV004785386.1).
Genomic context (GRCh38, chr8:143,920,374, plus strand): 5'-CCTGCTGGTCTCCTCATCCAGGCAGCCTCGGGCGCAGGCGACATCCAGGGGCACGCGGTG[G>C]CTCTTGCTGGGGTCCACGATGCCGCCCGTGGACAGCTGGGCGTCCAACAGGCGCAGGCCC-3'
Protein context (NP_958786.1, residues 3139-3159): STGGIVDPSK[Ser3149Arg]HRVPLDVACA

ClinVar aggregate classification (germline): Uncertain significance (1 of 4 stars; one submission).

Conditions:
Epidermolysis bullosa simplex with nail dystrophy (EBS5D). Identifiers: MedGen C4225309, MONDO:0014661, OMIM 616487.
Epidermolysis bullosa simplex, Ogna type (EBS5A). Also called: Pidermolysis bullosa simplex 5A, Ogna type; EPIDERMOLYSIS BULLOSA SIMPLEX 5A, OGNA TYPE. Identifiers: Orphanet 79401, MedGen C0432317, MONDO:0007555, OMIM 131950.
Epidermolysis bullosa simplex 5B, with muscular dystrophy (EBS5B). Also called: Epidermolysis bullosa simplex with muscular dystrophy; EPIDERMOLYSIS BULLOSA SIMPLEX AND LIMB-GIRDLE MUSCULAR DYSTROPHY. Identifiers: Orphanet 257, MedGen C2931072, MONDO:0009181, OMIM 226670.
Autosomal recessive limb-girdle muscular dystrophy type 2Q (LGMDR17). Also called: MUSCULAR DYSTROPHY, LIMB-GIRDLE, AUTOSOMAL RECESSIVE 17. Identifiers: Orphanet 254361, MedGen C3150989, MONDO:0013390, OMIM 613723.
Epidermolysis bullosa simplex 5C, with pyloric atresia (EBS5C). Also called: PLEC-Related Epidermolysis Bullosa with Pyloric Atresia; Epidermolysis bullosa simplex with pyloric atresia; PLEC1-Related Epidermolysis Bullosa with Pyloric Atresia. Identifiers: Orphanet 158684, MedGen C2677349, MONDO:0012807, OMIM 612138.

Submission:

Labcorp Genetics (formerly Invitae), Labcorp
Classification: Uncertain significance for Autosomal recessive limb-girdle muscular dystrophy type 2Q; Epidermolysis bullosa simplex, Ogna type; Epidermolysis bullosa simplex with nail dystrophy; Epidermolysis bullosa simplex 5C, with pyloric atresia; Epidermolysis bullosa simplex 5B, with muscular dystrophy. Last evaluated: 2025-06-24. Review status: criteria provided, single submitter. Criteria: Invitae Variant Classification Sherloc (09022015). Collection method: clinical testing. Allele origin: germline.
Comment: This sequence change replaces serine, which is neutral and polar, with arginine, which is basic and polar, at codon 3176 of the PLEC protein (p.Ser3176Arg). This variant is not present in population databases (gnomAD no frequency). This variant has not been reported in the literature in individuals affected with PLEC-related conditions. An algorithm developed to predict the effect of missense changes on protein structure and function (PolyPhen-2) suggests that this variant is likely to be disruptive. In summary, the available evidence is currently insufficient to determine the role of this variant in disease. Therefore, it has been classified as a Variant of Uncertain Significance.